The following is an entry in ClinVar:

ClinVar aggregate classification (germline): Likely benign. Review status: criteria provided, multiple submitters, no conflicts (2 of 4 stars). 2 submissions from 2 submitters: Likely benign (2). Last evaluated 2023-02-01.

Conditions:
Inborn genetic diseases. Identifiers: MedGen C0950123, MeSH D030342.

Allele frequency attached by ClinVar (database versions not stated): ExAC 0.00002; TOPMed 0.00006; ESP Exome Variant Server 0.00008; gnomAD 0.00008.

Submissions (2):

CeGaT Center for Human Genetics Tuebingen
Classification: Likely benign. Last evaluated: 2023-02-01. Review status: criteria provided, single submitter. Criteria: CeGaT Center For Human Genetics Tuebingen Variant Classification Criteria Version 2. Collection method: clinical testing. Allele origin: germline. Affected: yes. Observed: 1 variant allele.
Comment: ZNF462: BP4

Ambry Genetics
Classification: Likely benign for Inborn genetic diseases. Last evaluated: 2022-11-10. Review status: criteria provided, single submitter. Criteria: Ambry Variant Classification Scheme 2023. Collection method: clinical testing. Allele origin: germline.

NM_021224.6(ZNF462):c.3265A>G (p.Met1089Val)

Gene: ZNF462 (zinc finger protein 462; plus strand). Cytogenetic location: 9q31.2.
Variant type: single nucleotide variant.
Coding change: c.3265A>G on transcript NM_021224.6 (MANE Select); coding-DNA position 3265, A replaced by G.
Protein change: p.Met1089Val; replaces methionine 1089 with valine.
Molecular consequence: missense variant. On other transcripts: intron variant (1).
Genome position (GRCh38, 1-based): chr9:106,927,177, A>G. VCF-style: chr9-106927177-A-G. GRCh37 (hg19) VCF-style: chr9-109689458-A-G.
Other names: c.3252+13A>G (NM_001347997.2); short protein forms M1089V.
Identifiers: ClinVar variation 2390555 (VCV002390555.26), dbSNP rs145335552, ClinGen allele CA5171619.